The following is an entry in ClinVar:

NM_000443.4(ABCB4):c.105G>T (p.Lys35Asn)

Gene: ABCB4 (ATP binding cassette subfamily B member 4; minus strand). Cytogenetic location: 7q21.12.
Variant type: single nucleotide variant.
Coding change: c.105G>T on transcript NM_000443.4 (MANE Select); coding-DNA position 105, G replaced by T.
Protein change: p.Lys35Asn; replaces lysine 35 with asparagine.
Molecular consequence: missense variant.
Genome position (GRCh38, 1-based): chr7:87,472,651, C>A on the plus strand (G>T on the coding strand, the complement: ABCB4 is on the minus strand). VCF-style: chr7-87472651-C-A. GRCh37 (hg19) VCF-style: chr7-87101967-C-A.
Other names: c.105G>T, p.Lys35Asn (NM_018849.3, NM_018850.3); short protein forms K35N.
Identifiers: ClinVar variation 3350103 (VCV003350103.1).
Genomic context (GRCh38, chr7:87,472,651, plus strand): 5'-ATTATTCACATTTAACATTTCACAGCTTACCAATGTTAATACTCCAATCATTTTCACTGT[C>A]TTCGTTTTTTTCCTTTTTTGTTTGCTGTAAAAAATAGAATTGCTTCAATTTAAAACTGTT-3'
Protein context (NP_000434.1, residues 25-45): ISSKQKRKKT[Lys35Asn]TVKMIGVLTL

ClinVar aggregate classification (germline): Uncertain significance (0 of 4 stars; one submission).

Conditions:
ABCB4-related disorder. Also called: ABCB4-related disorders; ABCB4-related condition.

Submission:

PreventionGenetics, part of Exact Sciences
Classification: Uncertain significance for ABCB4-related condition. Last evaluated: 2024-04-05. Review status: no assertion criteria provided. Collection method: clinical testing. Allele origin: germline.
Comment: The ABCB4 c.105G>T variant is predicted to result in the amino acid substitution p.Lys35Asn. To our knowledge, this variant has not been reported in the literature or in a large population database, indicating this variant is rare. At this time, the clinical significance of this variant is uncertain due to the absence of conclusive functional and genetic evidence.